The following is an entry in ClinVar:

ClinVar aggregate classification (germline): Uncertain significance (1 of 4 stars; one submission).

Conditions:
BAZ2B-related disorder. Also called: BAZ2B-related condition.

gnomAD v4.1: 2 of 1,613,362 alleles (0.00012%); highest among the groups gnomAD compares: Admixed American, 0.0033%; no homozygotes.

Submission:

PreventionGenetics, part of Exact Sciences
Classification: Uncertain significance for BAZ2B-related condition. Last evaluated: 2026-06-25. Review status: criteria provided, single submitter. Criteria: ACMG Guidelines, 2015. Collection method: clinical testing. Allele origin: germline.
Comment: The BAZ2B c.5108T>C variant is predicted to result in the amino acid substitution p.Ile1703Thr. To our knowledge, this variant has not been reported in the literature or in a large population database (gnomAD), indicating this variant is rare. At this time, the clinical significance of this variant is uncertain due to the absence of conclusive functional and genetic evidence.

NM_013450.4(BAZ2B):c.5216T>C (p.Ile1739Thr)

Gene: BAZ2B (bromodomain adjacent to zinc finger domain 2B; minus strand). Cytogenetic location: 2q24.2.
Variant type: single nucleotide variant.
Coding change: c.5216T>C on transcript NM_013450.4 (MANE Select); coding-DNA position 5216, T replaced by C.
Protein change: p.Ile1739Thr; replaces isoleucine 1739 with threonine.
Molecular consequence: missense variant.
Genome position (GRCh38, 1-based): chr2:159,348,755, A>G on the plus strand (T>C on the coding strand, the complement: BAZ2B is on the minus strand). VCF-style: chr2-159348755-A-G. GRCh37 (hg19) VCF-style: chr2-160205266-A-G.
Other names: c.5108T>C, p.Ile1703Thr (NM_001289975.1); c.5054T>C, p.Ile1685Thr (NM_001329857.2); c.5141T>C, p.Ile1714Thr (NM_001329858.2); short protein forms I1685T, I1703T, I1739T, I1714T.
Identifiers: ClinVar variation 4995015 (VCV004995015.1).